The following is an entry in ClinVar:

NM_002181.4(IHH):c.816A>G (p.Thr272=)

Gene: IHH (Indian hedgehog signaling molecule; minus strand). Cytogenetic location: 2q35.
Variant type: single nucleotide variant.
Coding change: c.816A>G on transcript NM_002181.4 (MANE Select); coding-DNA position 816, A replaced by G.
Protein change: p.Thr272=; no amino-acid change (threonine 272 retained).
Molecular consequence: synonymous variant.
Genome position (GRCh38, 1-based): chr2:219,055,627, T>C on the plus strand (A>G on the coding strand, the complement: IHH is on the minus strand). VCF-style: chr2-219055627-T-C. GRCh37 (hg19) VCF-style: chr2-219920349-T-C.
Identifiers: ClinVar variation 899312 (VCV000899312.4), dbSNP rs200792119, ClinGen allele CA2116598.

ClinVar aggregate classification (germline): Benign (1 of 4 stars; one submission).

Conditions:
Brachydactyly type A1. Also called: FARABEE-TYPE BRACHYDACTYLY; SHORT STATURE WITH NONSPECIFIC SKELETAL ABNORMALITIES 2. Identifiers: Orphanet 93388, MedGen C1862151, MONDO:0007215, OMIM 112500, HP:0009371.

Allele frequency attached by ClinVar (database versions not stated): gnomAD 0.00001; gnomAD exomes 0.00001 and 0.00005; ExAC 0.00002; 1000 Genomes Project 30x 0.00016; 1000 Genomes Project 0.00020.
gnomAD v4.1: 68 of 1,613,806 alleles (0.0042%); highest among the groups gnomAD compares: East Asian, 0.15%; no homozygotes.

Submission:

Illumina Laboratory Services, Illumina
Classification: Benign for Brachydactyly type A1. Last evaluated: 2018-01-13. Review status: criteria provided, single submitter. Criteria: ICSL Variant Classification Criteria 13 December 2019. Collection method: clinical testing. Allele origin: germline.
Comment: This variant was observed in the ICSL laboratory as part of a predisposition screen in an ostensibly healthy population. It had not been previously curated by ICSL or reported in the Human Gene Mutation Database (HGMD: prior to June 1st, 2018), and was therefore a candidate for classification through an automated scoring system. Utilizing variant allele frequency, disease prevalence and penetrance estimates, and inheritance mode, an automated score was calculated to assess if this variant is too frequent to cause the disease. Based on the score and internal cut-off values, a variant classified as benign is not then subjected to further curation. The score for this variant resulted in a classification of benign for this disease.